The following is an entry in ClinVar:

NC_000023.10:g.(?_32509374)_(32663289_?)del

Gene: DMD (dystrophin; minus strand). Cytogenetic location: Xp21.1.
Variant type: Deletion.
Identifiers: ClinVar variation 2424881 (VCV002424881.3).

ClinVar aggregate classification (germline): Pathogenic (1 of 4 stars; one submission).

Conditions:
Duchenne muscular dystrophy (DMD). Also called: Duchenne Muscular Dystrophy (DMD); MUSCULAR DYSTROPHY, PSEUDOHYPERTROPHIC PROGRESSIVE, DUCHENNE TYPE. Identifiers: Orphanet 98896, MedGen C0013264, MONDO:0010679, OMIM 310200.

Submission:

Labcorp Genetics (formerly Invitae), Labcorp
Classification: Pathogenic for Duchenne muscular dystrophy. Last evaluated: 2021-10-21. Review status: criteria provided, single submitter. Criteria: Invitae Variant Classification Sherloc (09022015). Collection method: clinical testing. Allele origin: germline.
Comment: This variant is a gross deletion of the genomic region encompassing exon(s) 10-20 of the DMD gene. This variant would be expected to be in-frame, preserving the integrity of the reading frame. This variant has not been reported in the literature in individuals affected with DMD-related conditions. This variant disrupts a region of the DMD protein in which other variant(s) (Deletion (Exon 13)) have been determined to be pathogenic (PMID: 18353051, 22379338, 28116794, 28610567). This suggests that this is a clinically significant region of the protein, and that variants that disrupt it are likely to be disease-causing. For these reasons, this variant has been classified as Pathogenic.

Literature cited by the submitters: PubMed 18353051; PubMed 22379338; PubMed 28116794; PubMed 28610567.